The following is an entry in ClinVar:

ClinVar aggregate classification (germline): Uncertain significance (1 of 4 stars; one submission).

Submission:

Labcorp Genetics (formerly Invitae), Labcorp
Classification: Uncertain significance. Last evaluated: 2024-03-23. Review status: criteria provided, single submitter. Criteria: Invitae Variant Classification Sherloc (09022015). Collection method: clinical testing. Allele origin: germline.
Comment: This sequence change replaces phenylalanine, which is neutral and non-polar, with leucine, which is neutral and non-polar, at codon 119 of the OPA1 protein (p.Phe119Leu). This variant is not present in population databases (gnomAD no frequency). This variant has not been reported in the literature in individuals affected with OPA1-related conditions. Advanced modeling of protein sequence and biophysical properties (such as structural, functional, and spatial information, amino acid conservation, physicochemical variation, residue mobility, and thermodynamic stability) performed at Invitae indicates that this missense variant is not expected to disrupt OPA1 protein function with a negative predictive value of 80%. In summary, the available evidence is currently insufficient to determine the role of this variant in disease. Therefore, it has been classified as a Variant of Uncertain Significance.

NM_130837.3(OPA1):c.357T>G (p.Phe119Leu)

Gene: OPA1 (OPA1 mitochondrial dynamin like GTPase; plus strand). Cytogenetic location: 3q29.
Variant type: single nucleotide variant.
Coding change: c.357T>G on transcript NM_130837.3 (MANE Select); coding-DNA position 357, T replaced by G.
Protein change: p.Phe119Leu; replaces phenylalanine 119 with leucine.
Molecular consequence: missense variant. On other transcripts: 5 prime UTR variant (2).
Genome position (GRCh38, 1-based): chr3:193,615,679, T>G. VCF-style: chr3-193615679-T-G. GRCh37 (hg19) VCF-style: chr3-193333468-T-G.
Other names: c.-16T>G (NM_001354663.2, NM_001354664.2); c.357T>G, p.Phe119Leu (NM_015560.3, NM_130831.3, NM_130832.3 and 4 more transcripts); short protein forms F119L.
Identifiers: ClinVar variation 3694669 (VCV003694669.2).